The following is an entry in ClinVar:

ClinVar aggregate classification (germline): Uncertain significance (1 of 4 stars; one submission).

Allele frequency attached by ClinVar (database versions not stated): gnomAD exomes below 0.00001; ExAC 0.00001.
gnomAD v4.1: 3 of 1,614,070 alleles (0.00019%); highest among the groups gnomAD compares: Non-Finnish European, 0.00017%; no homozygotes.

Submission:

Ambry Genetics
Classification: Uncertain significance. Last evaluated: 2023-11-17. Review status: criteria provided, single submitter. Criteria: Ambry Variant Classification Scheme 2023. Collection method: clinical testing. Allele origin: germline.
Comment: The p.R946W variant (also known as c.2836A>T), located in coding exon 25 of the KIF1B gene, results from an A to T substitution at nucleotide position 2836. The arginine at codon 946 is replaced by tryptophan, an amino acid with dissimilar properties. This alteration was detected in a patient with hereditary motor neuropathy from a cohort of 448 patients with different types of clinically suspected inherited peripheral neuropathy (Antoniadi T et al. BMC Med Genet, 2015 Sep;16:84). This amino acid position is highly conserved in available vertebrate species. In addition, the in silico prediction for this alteration is inconclusive. Since supporting evidence is limited at this time, the clinical significance of this alteration remains unclear.

Literature cited by the submitters: PubMed 26392352.

NM_001365951.3(KIF1B):c.2974A>T (p.Arg992Trp)

Gene: KIF1B (kinesin family member 1B; plus strand). Cytogenetic location: 1p36.22.
Variant type: single nucleotide variant.
Coding change: c.2974A>T on transcript NM_001365951.3 (MANE Select); coding-DNA position 2974, A replaced by T.
Protein change: p.Arg992Trp; replaces arginine 992 with tryptophan.
Molecular consequence: missense variant.
Genome position (GRCh38, 1-based): chr1:10,334,569, A>T. VCF-style: chr1-10334569-A-T. GRCh37 (hg19) VCF-style: chr1-10394627-A-T.
Other names: c.2974A>T, p.Arg992Trp (NM_001365952.1); c.2836A>T, p.Arg946Trp (NM_015074.3); short protein forms R946W, R992W.
Identifiers: ClinVar variation 1796643 (VCV001796643.2), dbSNP rs750405644, ClinGen allele CA581657.